The following is an entry in ClinVar:

ClinVar aggregate classification (germline): Uncertain significance (1 of 4 stars; one submission).

gnomAD v4.1: 13 of 1,544,270 alleles (0.00084%); highest among the groups gnomAD compares: Non-Finnish European, 0.0011%; no homozygotes.

Submission:

Labcorp Genetics (formerly Invitae), Labcorp
Classification: Uncertain significance. Last evaluated: 2024-03-16. Review status: criteria provided, single submitter. Criteria: Invitae Variant Classification Sherloc (09022015). Collection method: clinical testing. Allele origin: germline.
Comment: This sequence change creates a premature translational stop signal (p.Glu63*) in the UNC119 gene. It is expected to result in an absent or disrupted protein product. However, the current clinical and genetic evidence is not sufficient to establish whether loss-of-function variants in UNC119 cause disease. The frequency data for this variant in the population databases is considered unreliable, as metrics indicate poor data quality at this position in the gnomAD database. This variant has not been reported in the literature in individuals affected with UNC119-related conditions. In summary, the available evidence is currently insufficient to determine the role of this variant in disease. Therefore, it has been classified as a Variant of Uncertain Significance.

NM_005148.4(UNC119):c.187G>T (p.Glu63Ter)

Genes: UNC119 (unc-119 lipid binding chaperone; minus strand), LOC130060555 (ATAC-STARR-seq lymphoblastoid silent region 8343; plus strand). Cytogenetic location: 17q11.2.
Variant type: single nucleotide variant.
Coding change: c.187G>T on transcript NM_005148.4 (MANE Select); coding-DNA position 187, G replaced by T.
Protein change: p.Glu63Ter; replaces glutamic acid 63 with a stop codon.
Molecular consequence: nonsense. On other transcripts: 5 prime UTR variant (1).
Genome position (GRCh38, 1-based): chr17:28,552,371, C>A on the plus strand (G>T on the coding strand, the complement: UNC119 is on the minus strand). VCF-style: chr17-28552371-C-A. GRCh37 (hg19) VCF-style: chr17-26879389-C-A.
Other names: c.-127G>T (NM_001330166.2); c.187G>T, p.Glu63Ter (NM_054035.2); short protein forms E63*.
Identifiers: ClinVar variation 3697498 (VCV003697498.2).